The following is an entry in ClinVar:

ClinVar aggregate classification (germline): Pathogenic/Likely pathogenic. Review status: criteria provided, multiple submitters, no conflicts (2 of 4 stars). 5 submissions from 5 submitters: Pathogenic (2); Likely pathogenic (2). 1 of the submissions does not count toward it. Last evaluated 2024-02-02.

Conditions:
Hydrocephalus, congenital, 3, with brain anomalies. Also called: HYDROCEPHALUS, NONSYNDROMIC, AUTOSOMAL RECESSIVE 3. Identifiers: MedGen C4747885, MONDO:0054794, OMIM 617967.
Cerebellar ataxia, impaired intellectual development, and dysequilibrium syndrome 2. Also called: Cerebellar ataxia, intellectual disability, and dysequilibrium syndrome 2; CEREBELLAR ATAXIA, MENTAL RETARDATION, AND DYSEQUILIBRIUM SYNDROME 2; CEREBELLAR ATAXIA AND MENTAL RETARDATION WITH OR WITHOUT QUADRUPEDAL LOCOMOTION 2. Identifiers: Orphanet 1766, MedGen C2750234, MONDO:0012430, OMIM 610185.

Allele frequency attached by ClinVar (database versions not stated): gnomAD exomes 0.00001 and below 0.00001; TOPMed 0.00012; gnomAD 0.00007.
gnomAD v4.1: 14 of 1,550,304 alleles (0.0009%); highest among the groups gnomAD compares: Admixed American, 0.022%; no homozygotes.

Submissions (5):

GeneDx
Classification: Pathogenic. Last evaluated: 2024-02-02. Review status: criteria provided, single submitter. Criteria: GeneDx Variant Classification Process June 2021. Collection method: clinical testing. Allele origin: germline. Affected: yes.
Comment: Published functional studies demonstrate impaired autophagic clearance of protein aggregates and maintenance of cell viability (PMID: 33730050); In silico analysis supports that this missense variant has a deleterious effect on protein structure/function; Not observed at significant frequency in large population cohorts (gnomAD); This variant is associated with the following publications: (PMID: 28969387, 22686558, 16371500, 33996189, 33724704, 34338917, 21885617, 33730050)

Women's Health and Genetics/Laboratory Corporation of America, LabCorp
Classification: Pathogenic for Cerebellar ataxia, impaired intellectual development, and dysequilibrium syndrome 2. Last evaluated: 2023-06-13. Review status: criteria provided, single submitter. Criteria: LabCorp Variant Classification Summary - May 2015. Collection method: clinical testing. Allele origin: germline.
Comment: Variant summary: WDR81 c.2567C>T (p.Pro856Leu) results in a non-conservative amino acid change in the encoded protein sequence. Five of five in-silico tools predict a damaging effect of the variant on protein function. The variant allele was found at a frequency of 1.3e-05 in 154980 control chromosomes (gnomAD). c.2567C>T has been reported in the literature in the homozygous state in six siblings affected with Cerebellar Ataxia, Intellectual Disability, And Dysequilibrium Syndrome 2 (CAMRQ2) from a large consanguineous Turkish family (Gulsuner_2011). The variant was found to segregate with the disease phenotype in this kindred, where over 100 family members spanning 5 generations were sequenced. These data indicate that the variant is very likely to be associated with disease. The following publication has been ascertained in the context of this evaluation (PMID: 21885617). Three submitters have provided clinical-significance assessments for this variant to ClinVar after 2014 and all classified the variant as pathogenic (n=1)/likely pathogenic (n=2). Based on the evidence outlined above, the variant was classified as pathogenic.

Fulgent Genetics
Classification: Likely pathogenic for Cerebellar ataxia, impaired intellectual development, and dysequilibrium syndrome 2; Hydrocephalus, congenital, 3, with brain anomalies. Last evaluated: 2022-03-29. Review status: criteria provided, single submitter. Criteria: ACMG Guidelines, 2015. Collection method: clinical testing. Allele origin: unknown.

New York Genome Center
Classification: Likely pathogenic for Hydrocephalus, congenital, 3, with brain anomalies; Cerebellar ataxia, impaired intellectual development, and dysequilibrium syndrome 2. Last evaluated: 2022-02-07. Review status: criteria provided, single submitter. Criteria: NYGC Assertion Criteria 2020. Collection method: clinical testing. Allele origin: germline. Observed: 1 heterozygote. Study: CSER-NYCKidSeq.

OMIM
Classification: Pathogenic for CEREBELLAR ATAXIA, IMPAIRED INTELLECTUAL DEVELOPMENT, AND DYSEQUILIBRIUM SYNDROME 2. Last evaluated: 2011-12-01. Review status: no assertion criteria provided. Collection method: literature only. Allele origin: germline. Not counted in ClinVar's aggregate classification.

Literature cited by the submitters: PubMed 21885617 (cited by Women's Health and Genetics/Laboratory Corporation of America, LabCorp and OMIM); PubMed 16371500 (cited by OMIM).

NM_001163809.2(WDR81):c.2567C>T (p.Pro856Leu)

Gene: WDR81 (WD repeat domain 81; plus strand). Cytogenetic location: 17p13.3.
Variant type: single nucleotide variant.
Coding change: c.2567C>T on transcript NM_001163809.2 (MANE Select); coding-DNA position 2567, C replaced by T.
Protein change: p.Pro856Leu; replaces proline 856 with leucine.
Molecular consequence: missense variant. On other transcripts: intron variant (3).
Genome position (GRCh38, 1-based): chr17:1,727,526, C>T. VCF-style: chr17-1727526-C-T. GRCh37 (hg19) VCF-style: chr17-1630820-C-T.
Other names: c.-123-464C>T (NM_152348.4); c.59-2854C>T (NM_001163673.2); c.-15+2740C>T (NM_001163811.2); short protein forms P856L.
Identifiers: ClinVar variation 31611 (VCV000031611.10), dbSNP rs587776906, ClinGen allele CA129846.